The following is an entry in ClinVar:

NM_004517.4(ILK):c.532+14G>A

Genes: ILK (integrin linked kinase; plus strand), TAF10 (TATA-box binding protein associated factor 10; minus strand). Cytogenetic location: 11p15.4.
Variant type: single nucleotide variant.
Coding change: c.532+14G>A on transcript NM_004517.4 (MANE Select); 14 bases into the intron after coding-DNA position 532, G replaced by A.
Molecular consequence: intron variant. On other transcripts: 3 prime UTR variant (1).
Genome position (GRCh38, 1-based): chr11:6,608,981, G>A. VCF-style: chr11-6608981-G-A. GRCh37 (hg19) VCF-style: chr11-6630212-G-A.
Other names: c.*1941C>T (NM_006284.4); c.532+14G>A (NM_001014795.3, NM_001014794.3); c.435+14G>A (NM_001278441.2); c.130+14G>A (NM_001278442.2).
Identifiers: ClinVar variation 227443 (VCV000227443.5), dbSNP rs776123992, ClinGen allele CA5858081.

ClinVar aggregate classification (germline): Likely benign. Review status: criteria provided, multiple submitters, no conflicts (2 of 4 stars). 2 submissions from 2 submitters: Likely benign (2). Last evaluated 2025-04-19.

Conditions:
Primary familial hypertrophic cardiomyopathy (HCM). Identifiers: Orphanet 99739, MedGen C0949658, MeSH D024741, MONDO:0024573. Inheritance: Various modes of inheritance.

Allele frequency attached by ClinVar (database versions not stated): TOPMed below 0.00001; ExAC 0.00001; gnomAD exomes 0.00001.
gnomAD v4.1: 4 of 1,614,004 alleles (0.00025%); highest among the groups gnomAD compares: Non-Finnish European, 0.00034%; no homozygotes.

Submissions (2):

Labcorp Genetics (formerly Invitae), Labcorp
Classification: Likely benign for Primary familial hypertrophic cardiomyopathy. Last evaluated: 2025-04-19. Review status: criteria provided, single submitter. Criteria: Invitae Variant Classification Sherloc (09022015). Collection method: clinical testing. Allele origin: germline.

Laboratory for Molecular Medicine, Mass General Brigham Personalized Medicine
Classification: Likely benign. Last evaluated: 2015-03-04. Review status: criteria provided, single submitter. Criteria: LMM Criteria. Collection method: clinical testing. Allele origin: germline. Observed: 1 variant allele.
Comment: c.532+14G>A in intron 6 of ILK: This variant is not expected to have clinical si gnificance because it is not located within the splice consensus sequence. It ha s been identified in 1/66720 European chromosomes by the Exome Aggregation Conso rtium (ExAC).